The following is an entry in ClinVar:

NM_006118.4(HAX1):c.556+1G>A

Gene: HAX1 (HCLS1 associated protein X-1; plus strand). Cytogenetic location: 1q21.3.
Variant type: single nucleotide variant.
Coding change: c.556+1G>A on transcript NM_006118.4 (MANE Select); the canonical splice donor site of the intron after coding-DNA position 556, G replaced by A.
Molecular consequence: splice donor variant.
Genome position (GRCh38, 1-based): chr1:154,275,002, G>A. VCF-style: chr1-154275002-G-A. GRCh37 (hg19) VCF-style: chr1-154247478-G-A.
Other names: c.412+1G>A (NM_001018837.2).
Identifiers: ClinVar variation 2170392 (VCV002170392.9), dbSNP rs1684901295, ClinGen allele CA342593170.

ClinVar aggregate classification (germline): Likely pathogenic. Review status: criteria provided, multiple submitters, no conflicts (2 of 4 stars). 2 submissions from 2 submitters: Likely pathogenic (2). Last evaluated 2023-01-19.

Conditions:
Severe congenital neutropenia (SCN). Identifiers: Orphanet 42738, MedGen C1853118, MONDO:0018542.
Kostmann syndrome (SCN3). Also called: KOSTMANN DISEASE; Autosomal recessive severe congenital neutropenia type 3. Identifiers: Orphanet 99749, MedGen C5235141, MONDO:0012548, OMIM 610738.

Submissions (22):

Women's Health and Genetics/Laboratory Corporation of America, LabCorp
Classification: Likely pathogenic for Severe congenital neutropenia. Last evaluated: 2023-01-19. Review status: criteria provided, single submitter. Criteria: LabCorp Variant Classification Summary - May 2015. Collection method: clinical testing. Allele origin: germline.
Comment: Variant summary: HAX1 c.556+1G>A is located in a canonical splice-site and is predicted to affect mRNA splicing resulting in a significantly altered protein due to either exon skipping, shortening, or inclusion of intronic material. Several computational tools predict a significant impact on normal splicing: Four predict the variant abolishes a 5' splicing donor site. However, these predictions have yet to be confirmed by functional studies. The variant was absent in 251434 control chromosomes. To our knowledge, no occurrence of c.556+1G>A in individuals affected with Severe Congenital Neutropenia and no experimental evidence demonstrating its impact on protein function have been reported. No clinical diagnostic laboratories have submitted clinical-significance assessments for this variant to ClinVar after 2014. Based on the evidence outlined above, the variant was classified as likely pathogenic.

Labcorp Genetics (formerly Invitae), Labcorp
Classification: Likely pathogenic for Kostmann syndrome. Last evaluated: 2022-09-23. Review status: criteria provided, single submitter. Criteria: Invitae Variant Classification Sherloc (09022015). Collection method: clinical testing. Allele origin: germline.
Comment: In summary, the currently available evidence indicates that the variant is pathogenic, but additional data are needed to prove that conclusively. Therefore, this variant has been classified as Likely Pathogenic. Algorithms developed to predict the effect of sequence changes on RNA splicing suggest that this variant may disrupt the consensus splice site. This variant has not been reported in the literature in individuals affected with HAX1-related conditions. This variant is not present in population databases (gnomAD no frequency). This sequence change affects a donor splice site in intron 4 of the HAX1 gene. It is expected to disrupt RNA splicing. Variants that disrupt the donor or acceptor splice site typically lead to a loss of protein function (PMID: 16199547), and loss-of-function variants in HAX1 are known to be pathogenic (PMID: 17187068).

Dr. Peter K. Rogan Lab, Western University
No classification provided (evidence only). Condition: Ovarian serous cystadenocarcinoma. Review status: no classification provided. Collection method: in vitro. Allele origin: not applicable. Functional consequence: retained intron. Not counted in ClinVar's aggregate classification.

Dr. Peter K. Rogan Lab, Western University
No classification provided (evidence only). Condition: Ovarian serous cystadenocarcinoma. Review status: no classification provided. Collection method: in vitro. Allele origin: not applicable. Functional consequence: retained intron. Not counted in ClinVar's aggregate classification.

Dr. Peter K. Rogan Lab, Western University
No classification provided (evidence only). Condition: Ovarian serous cystadenocarcinoma. Review status: no classification provided. Collection method: in vitro. Allele origin: not applicable. Functional consequence: retained intron. Not counted in ClinVar's aggregate classification.

Dr. Peter K. Rogan Lab, Western University
No classification provided (evidence only). Condition: Ovarian serous cystadenocarcinoma. Review status: no classification provided. Collection method: in vitro. Allele origin: not applicable. Functional consequence: retained intron. Not counted in ClinVar's aggregate classification.

Dr. Peter K. Rogan Lab, Western University
No classification provided (evidence only). Condition: Ovarian serous cystadenocarcinoma. Review status: no classification provided. Collection method: in vitro. Allele origin: not applicable. Functional consequence: retained intron. Not counted in ClinVar's aggregate classification.

Dr. Peter K. Rogan Lab, Western University
No classification provided (evidence only). Condition: Ovarian serous cystadenocarcinoma. Review status: no classification provided. Collection method: in vitro. Allele origin: not applicable. Functional consequence: retained intron. Not counted in ClinVar's aggregate classification.

Dr. Peter K. Rogan Lab, Western University
No classification provided (evidence only). Condition: Ovarian serous cystadenocarcinoma. Review status: no classification provided. Collection method: in vitro. Allele origin: not applicable. Functional consequence: retained intron. Not counted in ClinVar's aggregate classification.

Dr. Peter K. Rogan Lab, Western University
No classification provided (evidence only). Condition: Ovarian serous cystadenocarcinoma. Review status: no classification provided. Collection method: in vitro. Allele origin: not applicable. Functional consequence: retained intron. Not counted in ClinVar's aggregate classification.

Dr. Peter K. Rogan Lab, Western University
No classification provided (evidence only). Condition: Ovarian serous cystadenocarcinoma. Review status: no classification provided. Collection method: in vitro. Allele origin: not applicable. Functional consequence: retained intron. Not counted in ClinVar's aggregate classification.

Dr. Peter K. Rogan Lab, Western University
No classification provided (evidence only). Condition: Ovarian serous cystadenocarcinoma. Review status: no classification provided. Collection method: in vitro. Allele origin: not applicable. Functional consequence: retained intron. Not counted in ClinVar's aggregate classification.

Dr. Peter K. Rogan Lab, Western University
No classification provided (evidence only). Condition: Ovarian serous cystadenocarcinoma. Review status: no classification provided. Collection method: in vitro. Allele origin: not applicable. Functional consequence: retained intron. Not counted in ClinVar's aggregate classification.

Dr. Peter K. Rogan Lab, Western University
No classification provided (evidence only). Condition: Ovarian serous cystadenocarcinoma. Review status: no classification provided. Collection method: in vitro. Allele origin: not applicable. Functional consequence: retained intron. Not counted in ClinVar's aggregate classification.

Dr. Peter K. Rogan Lab, Western University
No classification provided (evidence only). Condition: Ovarian serous cystadenocarcinoma. Review status: no classification provided. Collection method: in vitro. Allele origin: not applicable. Functional consequence: retained intron. Not counted in ClinVar's aggregate classification.

Dr. Peter K. Rogan Lab, Western University
No classification provided (evidence only). Condition: Ovarian serous cystadenocarcinoma. Review status: no classification provided. Collection method: in vitro. Allele origin: not applicable. Functional consequence: retained intron. Not counted in ClinVar's aggregate classification.

Dr. Peter K. Rogan Lab, Western University
No classification provided (evidence only). Condition: Ovarian serous cystadenocarcinoma. Review status: no classification provided. Collection method: in vitro. Allele origin: not applicable. Functional consequence: retained intron. Not counted in ClinVar's aggregate classification.

Dr. Peter K. Rogan Lab, Western University
No classification provided (evidence only). Condition: Ovarian serous cystadenocarcinoma. Review status: no classification provided. Collection method: in vitro. Allele origin: not applicable. Functional consequence: retained intron. Not counted in ClinVar's aggregate classification.

Dr. Peter K. Rogan Lab, Western University
No classification provided (evidence only). Condition: Ovarian serous cystadenocarcinoma. Review status: no classification provided. Collection method: in vitro. Allele origin: not applicable. Functional consequence: retained intron. Not counted in ClinVar's aggregate classification.

Dr. Peter K. Rogan Lab, Western University
No classification provided (evidence only). Condition: Ovarian serous cystadenocarcinoma. Review status: no classification provided. Collection method: in vitro. Allele origin: not applicable. Functional consequence: retained intron. Not counted in ClinVar's aggregate classification.

Dr. Peter K. Rogan Lab, Western University
No classification provided (evidence only). Condition: Ovarian serous cystadenocarcinoma. Review status: no classification provided. Collection method: in vitro. Allele origin: not applicable. Functional consequence: retained intron. Not counted in ClinVar's aggregate classification.

Dr. Peter K. Rogan Lab, Western University
No classification provided (evidence only). Condition: Ovarian serous cystadenocarcinoma. Review status: no classification provided. Collection method: in vitro. Allele origin: not applicable. Functional consequence: retained intron. Not counted in ClinVar's aggregate classification.

Literature cited by the submitters: PubMed 16199547 (cited by Labcorp Genetics (formerly Invitae), Labcorp); PubMed 17187068 (cited by Labcorp Genetics (formerly Invitae), Labcorp).